The following continues an entry in ClinVar:

NM_000540.3(RYR1):c.10204T>G (p.Cys3402Gly)

Gene: RYR1. ClinVar aggregate classification (germline): Pathogenic. Pathogenic (1).

Submissions 8 to 15 of 15:

All of Us Research Program, National Institutes of Health
Classification: Uncertain significance for Malignant hyperthermia, susceptibility to, 1. Last evaluated: 2024-09-23. Review status: criteria provided, single submitter. Criteria: ACMG Guidelines, 2015. Collection method: clinical testing. Allele origin: germline. Inheritance: Autosomal dominant inheritance. Observed: 20 variant alleles, 20 heterozygotes. Not counted in ClinVar's aggregate classification.
Comment: This missense variant replaces cysteine with glycine at codon 3402 of the RYR1 protein. Computational prediction suggests that this variant may have deleterious impact on protein structure and function (internally defined REVEL score threshold >= 0.7, PMID: 27666373). To our knowledge, functional studies have not been reported for this variant. This variant has not been reported in individuals affected with autosomal dominant malignant hyperthermia in the literature, although it is associated with other phenotype(s) (ClinVar variation ID: 42098; PMID: 20583297, 27854218). This variant has been identified in 7/262002 chromosomes in the general population by the Genome Aggregation Database (gnomAD). Due to insufficient evidence, this variant is classified as a Variant of Uncertain Significance for autosomal dominant malignant hyperthermia.

This study involves interpretation of variants in research participants for the purpose of population health screening. Participant phenotype was not available at the time of variant classification. Additional details can be found in publication PMID: 35346344, PMCID: PMC8962531

Color Diagnostics, LLC DBA Color Health
Classification: Uncertain significance for Malignant hyperthermia, susceptibility to, 1. Last evaluated: 2024-05-17. Review status: criteria provided, single submitter. Criteria: ACMG Guidelines, 2015. Collection method: clinical testing. Allele origin: germline. Not counted in ClinVar's aggregate classification.
Comment: This missense variant replaces cysteine with glycine at codon 3402 of the RYR1 protein. Computational prediction suggests that this variant may have deleterious impact on protein structure and function. To our knowledge, functional studies have not been reported for this variant. This variant has not been reported in individuals affected with autosomal dominant malignant hyperthermia in the literature, although it is associated with other phenotype(s) (ClinVar variation ID: 42098PMID: 20583297, 27854218). This variant has been identified in 7/262002 chromosomes in the general population by the Genome Aggregation Database (gnomAD). Due to insufficient evidence, this variant is classified as a Variant of Uncertain Significance for autosomal dominant malignant hyperthermia.

Department of Pathology and Laboratory Medicine, Sinai Health System
Classification: Likely pathogenic for Central core myopathy; Malignant hyperthermia, susceptibility to, 1; Congenital multicore myopathy with external ophthalmoplegia; King Denborough syndrome. Last evaluated: 2022-05-09. Review status: criteria provided, single submitter. Criteria: ACMG Guidelines, 2015. Collection method: research. Allele origin: germline. Not counted in ClinVar's aggregate classification.

Center for Genetic Medicine Research, Children's National Medical Center
Classification: Likely pathogenic for Central core myopathy. Last evaluated: 2015-12-01. Review status: criteria provided, single submitter. Criteria: Punetha et al. (J Neuromuscul Dis. 2016). Collection method: research. Allele origin: unknown. Affected: yes. Observed: 2 variant alleles. Not counted in ClinVar's aggregate classification.

Eurofins Ntd Llc (ga)
Classification: Uncertain significance. Last evaluated: 2015-10-19. Review status: criteria provided, single submitter. Criteria: EGL Classification Definitions 2015. Collection method: clinical testing. Allele origin: germline. Observed: 1 variant allele, 1 heterozygote. Not counted in ClinVar's aggregate classification.

Genetic Services Laboratory, University of Chicago
Classification: Pathogenic. Last evaluated: 2013-12-02. Review status: criteria provided, single submitter. Criteria: ACMG Guidelines, 2007. Collection method: clinical testing. Allele origin: germline. Inheritance: Autosomal unknown. Affected: yes. Not counted in ClinVar's aggregate classification.

GeneReviews
No classification provided. Condition: Congenital myopathy with fiber type disproportion. Review status: no classification provided. Collection method: literature only. Allele origin: unknown. Not counted in ClinVar's aggregate classification.

Laboratory for Molecular Medicine, Mass General Brigham Personalized Medicine
Classification: Uncertain significance. Last evaluated: 2016-08-12. Review status: flagged submission. Criteria: LMM Criteria. Collection method: clinical testing. Allele origin: germline. Not counted in ClinVar's aggregate classification.
Comment: Variant identified in a genome or exome case(s) and assessed due to predicted null impact of the variant or pathogenic assertions in the literature or databases. Disclaimer: This variant has not undergone full assessment. The following are preliminary notes: Only reported in association with myopathy (congenital fiber type disproportion), in only 1 proband.
ClinVar note: Reason: Outlier claim with insufficient supporting evidence

Literature cited by the submitters: PubMed 20583297 (cited by 4 submitters); PubMed 27854218 (cited by 3 submitters); PubMed 23919265 (cited by Victorian Clinical Genetics Services, Murdoch Childrens Research Institute); PubMed 27855725 (cited by Victorian Clinical Genetics Services, Murdoch Childrens Research Institute); PubMed 20301436 (cited by GeneReviews); NCBI Bookshelf NBK1259 (cited by GeneReviews).